The following is an entry in ClinVar:

ClinVar aggregate classification (germline): Uncertain significance (1 of 4 stars; one submission).

Conditions:
Hereditary cancer-predisposing syndrome. Also called: Neoplastic Syndromes, Hereditary; Tumor predisposition; Hereditary Cancer Syndrome; Hereditary neoplastic syndrome. Identifiers: Orphanet 140162, MedGen C0027672, MeSH D009386, MONDO:0015356.

Submission:

Ambry Genetics
Classification: Uncertain significance for Hereditary cancer-predisposing syndrome. Last evaluated: 2026-08-21. Review status: criteria provided, single submitter. Criteria: Ambry Variant Classification Scheme 2023. Collection method: clinical testing. Allele origin: germline.
Comment: The p.H189D variant (also known as c.565C>G), located in coding exon 5 of the TSC1 gene, results from a C to G substitution at nucleotide position 565. The histidine at codon 189 is replaced by aspartic acid, an amino acid with similar properties. This amino acid position is highly conserved in available vertebrate species. In addition, this alteration is predicted to be deleterious by in silico analysis. Based on the available evidence, the clinical significance of this variant remains unclear.

NM_000368.5(TSC1):c.565C>G (p.His189Asp)

Gene: TSC1 (TSC complex subunit 1; minus strand). Cytogenetic location: 9q34.13.
Variant type: single nucleotide variant.
Coding change: c.565C>G on transcript NM_000368.5 (MANE Select); coding-DNA position 565, C replaced by G.
Protein change: p.His189Asp; replaces histidine 189 with aspartic acid.
Molecular consequence: missense variant. On other transcripts: 5 prime UTR variant (5), non-coding transcript variant (5).
Genome position (GRCh38, 1-based): chr9:132,921,917, G>C on the plus strand (C>G on the coding strand, the complement: TSC1 is on the minus strand). VCF-style: chr9-132921917-G-C. GRCh37 (hg19) VCF-style: chr9-135797304-G-C.
Other names: c.565C>G, p.His189Asp (NM_001162426.2, NM_001406592.1, NM_001406593.1 and 16 more transcripts); c.412C>G, p.His138Asp (NM_001162427.2, NM_001406610.1, NM_001406611.1 and 2 more transcripts); c.202C>G, p.His68Asp (NM_001362177.2, NM_001406614.1, NM_001406615.1 and 10 more transcripts); c.-313C>G (NM_001406626.1, NM_001406627.1, NM_001406628.1); c.-455C>G (NM_001406629.1); c.-529C>G (NM_001406630.1); short protein forms H138D, H189D, H68D.
Identifiers: ClinVar variation 4841471 (VCV004841471.2).